The following is an entry in ClinVar:

NM_004963.4(GUCY2C):c.1987G>A (p.Val663Met)

Gene: GUCY2C (guanylate cyclase 2C; minus strand). Cytogenetic location: 12p12.3.
Variant type: single nucleotide variant.
Coding change: c.1987G>A on transcript NM_004963.4 (MANE Select); coding-DNA position 1987, G replaced by A.
Protein change: p.Val663Met; replaces valine 663 with methionine.
Molecular consequence: missense variant.
Genome position (GRCh38, 1-based): chr12:14,641,163, C>T on the plus strand (G>A on the coding strand, the complement: GUCY2C is on the minus strand). VCF-style: chr12-14641163-C-T. GRCh37 (hg19) VCF-style: chr12-14794097-C-T.
Other names: short protein forms V663M.
Identifiers: ClinVar variation 1979308 (VCV001979308.6), dbSNP rs781269472, ClinGen allele CA6463221.

ClinVar aggregate classification (germline): Uncertain significance. Review status: criteria provided, multiple submitters, no conflicts (2 of 4 stars). 2 submissions from 2 submitters: Uncertain significance (2). Last evaluated 2026-01-27.

Conditions:
Inborn genetic diseases. Identifiers: MedGen C0950123, MeSH D030342.

Allele frequency attached by ClinVar (database versions not stated): ExAC 0.00002; gnomAD 0.00003; gnomAD exomes 0.00006.
gnomAD v4.1: 93 of 1,613,578 alleles (0.0058%); highest among the groups gnomAD compares: Non-Finnish European, 0.0072%; no homozygotes.

Submissions (2):

Labcorp Genetics (formerly Invitae), Labcorp
Classification: Uncertain significance. Last evaluated: 2026-01-27. Review status: criteria provided, single submitter. Criteria: Invitae Variant Classification Sherloc (09022015). Collection method: clinical testing. Allele origin: germline.
Comment: This sequence change replaces valine, which is neutral and non-polar, with methionine, which is neutral and non-polar, at codon 663 of the GUCY2C protein (p.Val663Met). This variant is present in population databases (rs781269472, gnomAD 0.005%). This variant has not been reported in the literature in individuals affected with GUCY2C-related conditions. ClinVar contains an entry for this variant (Variation ID: 1979308). Invitae Evidence Modeling of protein sequence and biophysical properties (such as structural, functional, and spatial information, amino acid conservation, physicochemical variation, residue mobility, and thermodynamic stability) indicates that this missense variant is not expected to disrupt GUCY2C protein function with a negative predictive value of 80%. In summary, the available evidence is currently insufficient to determine the role of this variant in disease. Therefore, it has been classified as a Variant of Uncertain Significance.

Ambry Genetics
Classification: Uncertain significance for Inborn genetic diseases. Last evaluated: 2025-08-13. Review status: criteria provided, single submitter. Criteria: Ambry Variant Classification Scheme 2023. Collection method: clinical testing. Allele origin: germline.